The following is an entry in ClinVar:

ClinVar aggregate classification (germline): Uncertain significance (1 of 4 stars; one submission).

Submission:

GeneDx
Classification: Uncertain significance. Last evaluated: 2025-04-25. Review status: criteria provided, single submitter. Criteria: GeneDx Variant Classification Process June 2021. Collection method: clinical testing. Allele origin: germline. Affected: yes.
Comment: Not observed at significant frequency in large population cohorts (gnomAD); In silico analysis supports that this missense variant has a deleterious effect on protein structure/function; Has not been previously published as pathogenic or benign to our knowledge

NM_007055.4(POLR3A):c.3824T>C (p.Met1275Thr)

Gene: POLR3A (RNA polymerase III subunit A; minus strand). Cytogenetic location: 10q22.3.
Variant type: single nucleotide variant.
Coding change: c.3824T>C on transcript NM_007055.4 (MANE Select); coding-DNA position 3824, T replaced by C.
Protein change: p.Met1275Thr; replaces methionine 1275 with threonine.
Molecular consequence: missense variant.
Genome position (GRCh38, 1-based): chr10:77,981,495, A>G on the plus strand (T>C on the coding strand, the complement: POLR3A is on the minus strand). VCF-style: chr10-77981495-A-G. GRCh37 (hg19) VCF-style: chr10-79741253-A-G.
Other names: short protein forms M1275T.
Identifiers: ClinVar variation 4527362 (VCV004527362.1).